The following is an entry in ClinVar:

ClinVar aggregate classification (germline): Uncertain significance (1 of 4 stars; one submission).

Conditions:
Inborn genetic diseases. Identifiers: MedGen C0950123, MeSH D030342.

gnomAD v4.1: 3 of 1,614,100 alleles (0.00019%); highest among the groups gnomAD compares: Non-Finnish European, 0.00025%; no homozygotes.

Submission:

Ambry Genetics
Classification: Uncertain significance for Inborn genetic diseases. Last evaluated: 2019-11-06. Review status: criteria provided, single submitter. Criteria: Ambry Variant Classification Scheme 2023. Collection method: clinical testing. Allele origin: germline.
Comment: The p.V260L variant (also known as c.778G>C), located in coding exon 7 of the YARS gene, results from a G to C substitution at nucleotide position 778. The valine at codon 260 is replaced by leucine, an amino acid with highly similar properties. This amino acid position is well conserved in available vertebrate species; however, leucine is the reference amino acid in other vertebrate species. In addition, this alteration is predicted to be tolerated by in silico analysis. Since supporting evidence is limited at this time, the clinical significance of this alteration remains unclear.

NM_003680.4(YARS1):c.778G>C (p.Val260Leu)

Genes: YARS1 (tyrosyl-tRNA synthetase 1; minus strand), LOC126805688 (BRD4-independent group 4 enhancer GRCh37_chr1:33251929-33253128; plus strand). Cytogenetic location: 1p35.1.
Variant type: single nucleotide variant.
Coding change: c.778G>C on transcript NM_003680.4 (MANE Select); coding-DNA position 778, G replaced by C.
Protein change: p.Val260Leu; replaces valine 260 with leucine.
Molecular consequence: missense variant.
Genome position (GRCh38, 1-based): chr1:32,786,982, C>G on the plus strand (G>C on the coding strand, the complement: YARS1 is on the minus strand). VCF-style: chr1-32786982-C-G. GRCh37 (hg19) VCF-style: chr1-33252583-C-G.
Other names: short protein forms V260L.
Identifiers: ClinVar variation 1799578 (VCV001799578.2), dbSNP rs1653249555, ClinGen allele CA339685149.